The following is an entry in ClinVar:

ClinVar aggregate classification (germline): Conflicting classifications of pathogenicity. Review status: criteria provided, conflicting classifications (1 of 4 stars). 6 submissions from 6 submitters: Uncertain significance (4); Likely benign (1). 1 of the submissions does not count toward it. Last evaluated 2025-09-14.

Conditions:
Episodic ataxia type 2 (EA2). Also called: ATAXIA, EPISODIC, WITH NYSTAGMUS; ATAXIA, FAMILIAL PAROXYSMAL; CEREBELLAR ATAXIA, PAROXYSMAL, ACETAZOLAMIDE-RESPONSIVE; CEREBELLOPATHY, HEREDITARY PAROXYSMAL; EPISODIC ATAXIA, NYSTAGMUS-ASSOCIATED; ACETAZOLAMIDE-RESPONSIVE HEREDITARY PAROXYSMAL CEREBELLAR ATAXIA. Identifiers: Orphanet 97, MedGen C1720416, MONDO:0007163, OMIM 108500.
Developmental and epileptic encephalopathy, 42 (DEE42A). Also called: Epileptic encephalopathy, early infantile, 42; DEVELOPMENTAL AND EPILEPTIC ENCEPHALOPATHY 42A; EPILEPTIC ENCEPHALOPATHY, EARLY INFANTILE, 42A. Identifiers: MedGen C4310716, MONDO:0014917, OMIM 617106.
EEG with focal epileptiform discharges. Identifiers: MedGen C4021199, HP:0011185.

Allele frequency attached by ClinVar (database versions not stated): TOPMed 0.00003.
gnomAD v4.1: 50 of 1,395,592 alleles (0.0036%); highest among the groups gnomAD compares: South Asian, 0.015%; no homozygotes.

Submissions (6):

Labcorp Genetics (formerly Invitae), Labcorp
Classification: Likely benign for Developmental and epileptic encephalopathy, 42; Episodic ataxia type 2. Last evaluated: 2025-09-14. Review status: criteria provided, single submitter. Criteria: Invitae Variant Classification Sherloc (09022015). Collection method: clinical testing. Allele origin: germline.

Blueprint Genetics
Classification: Uncertain significance. Last evaluated: 2024-10-21. Review status: criteria provided, single submitter. Criteria: ACMG Guidelines, 2015. Collection method: clinical testing. Allele origin: germline.

GeneDx
Classification: Uncertain significance. Last evaluated: 2022-12-09. Review status: criteria provided, single submitter. Criteria: GeneDx Variant Classification Process June 2021. Collection method: clinical testing. Allele origin: germline. Affected: yes.
Comment: Observed in a patient with Familial Hemiplegic Migraine (FHM) and not in controls; however, further segregation analysis with family members was not completed (Grieco et al., 2018); In silico analysis supports that this missense variant has a deleterious effect on protein structure/function; This variant is associated with the following publications: (PMID: 30167989, 32116539, 34426522)

Revvity Omics, Revvity
Classification: Uncertain significance. Last evaluated: 2021-11-12. Review status: criteria provided, single submitter. Criteria: ACMG Guidelines, 2015. Collection method: clinical testing. Allele origin: germline.

CeGaT Center for Human Genetics Tuebingen
Classification: Uncertain significance. Last evaluated: 2018-07-01. Review status: criteria provided, single submitter. Criteria: CeGaT Center For Human Genetics Tuebingen Variant Classification Criteria Version 2. Collection method: clinical testing. Allele origin: germline. Affected: yes. Observed: 1 variant allele.

Cytogénomique, Hospices Civils de Lyon
Classification: Benign for EEG with focal epileptiform discharges. Review status: no assertion criteria provided. Collection method: clinical testing. Allele origin: paternal. Inheritance: Autosomal dominant inheritance. Affected: yes. Not counted in ClinVar's aggregate classification.

NM_001127222.2(CACNA1A):c.6466C>G (p.Arg2156Gly)

Gene: CACNA1A (calcium voltage-gated channel subunit alpha1 A; minus strand). Cytogenetic location: 19p13.13.
Variant type: single nucleotide variant.
Coding change: c.6466C>G on transcript NM_001127222.2 (MANE Select); coding-DNA position 6466, C replaced by G.
Protein change: p.Arg2156Gly; replaces arginine 2156 with glycine.
Molecular consequence: missense variant.
Genome position (GRCh38, 1-based): chr19:13,209,372, G>C on the plus strand (C>G on the coding strand, the complement: CACNA1A is on the minus strand). VCF-style: chr19-13209372-G-C. GRCh37 (hg19) VCF-style: chr19-13320186-G-C.
Other names: c.6484C>G, p.Arg2162Gly (NM_000068.4, NM_023035.3); c.6469C>G, p.Arg2157Gly (NM_001127221.2); c.6475C>G, p.Arg2159Gly (NM_001174080.2); short protein forms R2157G, R2159G, R2156G, R2162G.
Identifiers: ClinVar variation 808464 (VCV000808464.58), dbSNP rs554393704, ClinGen allele CA305548115.